The following is an entry in ClinVar:

NM_130384.3(ATRIP):c.149G>A (p.Gly50Asp)

Genes: ATRIP (ATR interacting protein; plus strand), ATRIP-TREX1 (ATRIP-TREX1 readthrough; plus strand), LOC129936703 (ATAC-STARR-seq lymphoblastoid silent region 14331; plus strand). Cytogenetic location: 3p21.31.
Variant type: single nucleotide variant.
Coding change: c.149G>A on transcript NM_130384.3 (MANE Select); coding-DNA position 149, G replaced by A.
Protein change: p.Gly50Asp; replaces glycine 50 with aspartic acid.
Molecular consequence: missense variant. On other transcripts: non-coding transcript variant (1), intron variant (1).
Genome position (GRCh38, 1-based): chr3:48,446,994, G>A. VCF-style: chr3-48446994-G-A. GRCh37 (hg19) VCF-style: chr3-48488398-G-A.
Other names: c.149G>A, p.Gly50Asp (NM_032166.4); c.-218+195G>A (NM_001271022.2); short protein forms G50D.
Identifiers: ClinVar variation 3808934 (VCV003808934.1).

ClinVar aggregate classification (germline): Uncertain significance (1 of 4 stars; one submission).

Submission:

Ambry Genetics
Classification: Uncertain significance. Last evaluated: 2024-12-13. Review status: criteria provided, single submitter. Criteria: Ambry Variant Classification Scheme 2023. Collection method: clinical testing. Allele origin: germline.
Comment: The p.G50D variant (also known as c.149G>A), located in coding exon 1 of the ATRIP gene, results from a G to A substitution at nucleotide position 149. The glycine at codon 50 is replaced by aspartic acid, an amino acid with similar properties. This amino acid position is conserved. In addition, this alteration is predicted to be tolerated by in silico analysis. Based on the available evidence, the clinical significance of this variant remains unclear.